The following is an entry in ClinVar:

NM_021956.5(GRIK2):c.2218A>G (p.Thr740Ala)

Gene: GRIK2 (glutamate ionotropic receptor kainate type subunit 2; plus strand). Cytogenetic location: 6q16.3.
Variant type: single nucleotide variant.
Coding change: c.2218A>G on transcript NM_021956.5 (MANE Select); coding-DNA position 2218, A replaced by G.
Protein change: p.Thr740Ala; replaces threonine 740 with alanine.
Molecular consequence: missense variant.
Genome position (GRCh38, 1-based): chr6:102,035,473, A>G. VCF-style: chr6-102035473-A-G. GRCh37 (hg19) VCF-style: chr6-102483348-A-G.
Other names: c.2218A>G, p.Thr740Ala (NM_001166247.1, NM_175768.3); short protein forms T740A.
Identifiers: ClinVar variation 4535174 (VCV004535174.6).

ClinVar aggregate classification (germline): Uncertain significance (1 of 4 stars; one submission).

Submission:

CeGaT Center for Human Genetics Tuebingen
Classification: Uncertain significance. Last evaluated: 2025-11-01. Review status: criteria provided, single submitter. Criteria: CeGaT Center For Human Genetics Tuebingen Variant Classification Criteria Version 2. Collection method: clinical testing. Allele origin: germline. Affected: yes. Observed: 1 variant allele.
Comment: GRIK2: PM2